The following is an entry in ClinVar:

NM_001793.6(CDH3):c.118dup (p.Ala40fs)

Genes: CDH3 (cadherin 3; plus strand), CDH3-AS1 (CDH3 antisense RNA 1; minus strand). Cytogenetic location: 16q22.1.
Variant type: Duplication.
Coding change: c.118dup on transcript NM_001793.6 (MANE Select); coding-DNA position 118, one base duplicated (G; older notation c.118dupG).
Protein change: p.Ala40fs; shifts the reading frame from alanine 40.
Molecular consequence: frameshift variant. On other transcripts: intron variant (1).
Genome position (GRCh38, 1-based): chr16:68,645,708, G duplicated; the last of 2 consecutive G bases (chr16:68,645,707-68,645,708); duplicating either gives the same sequence. VCF-style (leftmost placement, unchanged base first): chr16-68645706-A-AG. GRCh37 (hg19) VCF-style: chr16-68679609-A-AG.
Other names: c.118dup, p.Ala40fs (NM_001317195.3); c.-6+284dup (NM_001317196.2); short protein forms A40fs.
Identifiers: ClinVar variation 1457451 (VCV001457451.6), dbSNP rs1208055411, ClinGen allele CA723161041.
Genomic context (GRCh38, chr16:68,645,706, plus strand): 5'-TGCAGTGCGCGGCCTCCGAGCCGTGCCGGGCGGTCTTCAGGGAGGCTGAAGTGACCTTGG[A>AG]GGCGGGAGGCGCGGAGCAGGAGCCCGGCCAGGCGCTGGGGAAAGGTAAGATCCTCAGGGT-3'

ClinVar aggregate classification (germline): Pathogenic (1 of 4 stars; one submission).

Submission:

Labcorp Genetics (formerly Invitae), Labcorp
Classification: Pathogenic. Last evaluated: 2024-05-24. Review status: criteria provided, single submitter. Criteria: Invitae Variant Classification Sherloc (09022015). Collection method: clinical testing. Allele origin: germline.
Comment: This sequence change creates a premature translational stop signal (p.Ala40Glyfs*28) in the CDH3 gene. It is expected to result in an absent or disrupted protein product. Loss-of-function variants in CDH3 are known to be pathogenic (PMID: 15805154, 27386845, 29620724). This variant is not present in population databases (gnomAD no frequency). This variant has not been reported in the literature in individuals affected with CDH3-related conditions. ClinVar contains an entry for this variant (Variation ID: 1457451). For these reasons, this variant has been classified as Pathogenic.

Literature cited by the submitters: PubMed 15805154; PubMed 27386845; PubMed 29620724.